The following is an entry in ClinVar:

NM_012105.5(BACE2):c.748-10C>T

Gene: BACE2 (beta-secretase 2; plus strand). Cytogenetic location: 21q22.3.
Variant type: single nucleotide variant.
Coding change: c.748-10C>T on transcript NM_012105.5 (MANE Select); 10 bases into the intron before coding-DNA position 748, C replaced by T.
Molecular consequence: intron variant.
Genome position (GRCh38, 1-based): chr21:41,243,366, C>T. VCF-style: chr21-41243366-C-T. GRCh37 (hg19) VCF-style: chr21-42615293-C-T.
Other names: c.748-10C>T (NM_138992.3, NM_138991.3).
Identifiers: ClinVar variation 3059580 (VCV003059580.2), dbSNP rs2252576, ClinGen allele CA10032166.

ClinVar aggregate classification (germline): Benign (0 of 4 stars; one submission).

Conditions:
BACE2-related disorder. Also called: BACE2-related condition.

Allele frequency attached by ClinVar (database versions not stated): ExAC 0.25225; 1000 Genomes Project 0.33207; 1000 Genomes Project 30x 0.34619; gnomAD 0.36409; TOPMed 0.38051; ESP Exome Variant Server 0.40371.
gnomAD v4.1: 399,120 of 1,578,428 alleles (25%); highest among the groups gnomAD compares: African/African-American, 73%; 61,160 homozygotes.

Submission:

PreventionGenetics, part of Exact Sciences
Classification: Benign for BACE2-related condition. Last evaluated: 2019-10-30. Review status: no assertion criteria provided. Collection method: clinical testing. Allele origin: germline.
Comment: This variant is classified as benign based on ACMG/AMP sequence variant interpretation guidelines (Richards et al. 2015 PMID: 25741868, with internal and published modifications).